The following is an entry in ClinVar:

NM_000234.3(LIG1):c.451AAG[1] (p.Lys152del)

Gene: LIG1 (DNA ligase 1; minus strand). Cytogenetic location: 19q13.33.
Variant type: Microsatellite.
Coding change: c.451AAG[1] on transcript NM_000234.3 (MANE Select); one copy of the 3-base unit AAG starting at c.451; the reference has two copies in a row; one copy, 3 bases deleted.
Protein change: p.Lys152del; deletes lysine 152.
Molecular consequence: inframe deletion. On other transcripts: non-coding transcript variant (6), intron variant (1).
Genome position (GRCh38, 1-based): chr19:48,153,882-48,153,884, CTT deleted on the plus strand (AAG on the coding strand, the reverse complement: LIG1 is on the minus strand); deleting any 3 consecutive bases within chr19:48,153,882-48,153,888 gives the same sequence; the position shown is the placement nearest the transcript's 3' end. VCF-style (leftmost placement, unchanged base first): chr19-48153881-CCTT-C. GRCh37 (hg19) VCF-style: chr19-48657138-CCTT-C.
Other names: c.361AAG[1], p.Lys122del (NM_001289063.2, NM_001320971.2); c.451AAG[1], p.Lys152del (NM_001320970.2); c.370+3130_370+3132del (NM_001289064.2); short protein forms K122del, K152del.
Identifiers: ClinVar variation 1967655 (VCV001967655.2), dbSNP rs768111100, ClinGen allele CA9547287.

ClinVar aggregate classification (germline): Uncertain significance (1 of 4 stars; one submission).

Submission:

Labcorp Genetics (formerly Invitae), Labcorp
Classification: Uncertain significance. Last evaluated: 2022-01-07. Review status: criteria provided, single submitter. Criteria: Invitae Variant Classification Sherloc (09022015). Collection method: clinical testing. Allele origin: germline.
Comment: This variant, c.454_456del, results in the deletion of 1 amino acid(s) of the LIG1 protein (p.Lys152del), but otherwise preserves the integrity of the reading frame. This variant is present in population databases (rs768111100, gnomAD 0.02%). This variant has not been reported in the literature in individuals affected with LIG1-related conditions. Experimental studies and prediction algorithms are not available or were not evaluated, and the functional significance of this variant is currently unknown. In summary, the available evidence is currently insufficient to determine the role of this variant in disease. Therefore, it has been classified as a Variant of Uncertain Significance.